The following is an entry in ClinVar:

NM_018341.3(ERMARD):c.837G>A (p.Leu279=)

Gene: ERMARD (ER membrane associated RNA degradation; plus strand). Cytogenetic location: 6q27.
Variant type: single nucleotide variant.
Coding change: c.837G>A on transcript NM_018341.3 (MANE Select); coding-DNA position 837, G replaced by A.
Protein change: p.Leu279=; no amino-acid change (leucine 279 retained).
Molecular consequence: synonymous variant.
Genome position (GRCh38, 1-based): chr6:169,760,736, G>A. VCF-style: chr6-169760736-G-A. GRCh37 (hg19) VCF-style: chr6-170160832-G-A.
Other names: c.837G>A, p.Leu279= (NM_001278531.2, NM_001278533.2); c.459G>A, p.Leu153= (NM_001278532.2, NM_001410957.1).
Identifiers: ClinVar variation 4694376 (VCV004694376.1).

ClinVar aggregate classification (germline): Uncertain significance (1 of 4 stars; one submission).

gnomAD v4.1: 16 of 1,613,500 alleles (0.00099%); highest among the groups gnomAD compares: Admixed American, 0.025%; no homozygotes.

Submission:

Labcorp Genetics (formerly Invitae), Labcorp
Classification: Uncertain significance. Last evaluated: 2025-06-15. Review status: criteria provided, single submitter. Criteria: Invitae Variant Classification Sherloc (09022015). Collection method: clinical testing. Allele origin: germline.
Comment: This sequence change affects codon 279 of the ERMARD mRNA. It is a 'silent' change, meaning that it does not change the encoded amino acid sequence of the ERMARD protein. This variant is present in population databases (rs776646256, gnomAD 0.02%). This variant has not been reported in the literature in individuals affected with ERMARD-related conditions. Algorithms developed to predict the effect of sequence changes on RNA splicing suggest that this variant may disrupt the consensus splice site. In summary, the available evidence is currently insufficient to determine the role of this variant in disease. Therefore, it has been classified as a Variant of Uncertain Significance.